The following is an entry in ClinVar:

NM_001267550.2(TTN):c.92219G>A (p.Trp30740Ter)

Genes: TTN (titin; minus strand), TTN-AS1 (TTN antisense RNA 1; plus strand). Cytogenetic location: 2q31.2.
Variant type: single nucleotide variant.
Coding change: c.92219G>A on transcript NM_001267550.2 (MANE Select); coding-DNA position 92219, G replaced by A.
Protein change: p.Trp30740Ter; replaces tryptophan 30740 with a stop codon.
Molecular consequence: nonsense.
Genome position (GRCh38, 1-based): chr2:178,549,407, C>T on the plus strand (G>A on the coding strand, the complement: TTN is on the minus strand). VCF-style: chr2-178549407-C-T. GRCh37 (hg19) VCF-style: chr2-179414134-C-T.
Other names: c.65399G>A, p.Trp21800Ter (NM_133432.3); c.65600G>A, p.Trp21867Ter (NM_133437.4); c.87296G>A, p.Trp29099Ter (NM_001256850.1); c.65024G>A, p.Trp21675Ter (NM_003319.4); c.84515G>A, p.Trp28172Ter (NM_133378.4); short protein forms W21675*, W21800*, W21867*, W28172*, W29099*, W30740*.
Identifiers: ClinVar variation 3755544 (VCV003755544.3).
Genomic context (GRCh38, chr2:178,549,407, plus strand): 5'-TCTCTTCTTTCAAGGATATACTGTTGAATTTCACTGCCACCATCTGATTCTGGCCTTGCC[C>T]ATGTCAGGGTAATGCTGTTGCCTGTTATGTTGCTAGGTTCTGGAATGCCAGGGGCATCAG-3'

ClinVar aggregate classification (germline): Pathogenic/Likely pathogenic. Review status: criteria provided, multiple submitters, no conflicts (2 of 4 stars). 2 submissions from 2 submitters: Pathogenic (1); Likely pathogenic (1). Last evaluated 2026-07-08.

Conditions:
Dilated cardiomyopathy 1G (CMD1G). Identifiers: Orphanet 154, MedGen C1858763, MONDO:0011400, OMIM 604145.
Autosomal recessive limb-girdle muscular dystrophy type 2J (LGMDR10). Also called: Limb-girdle muscular dystrophy, type 2J; MUSCULAR DYSTROPHY, LIMB-GIRDLE, AUTOSOMAL RECESSIVE 10. Identifiers: Orphanet 140922, MedGen C1837342, MONDO:0012127, OMIM 608807.
Cardiovascular phenotype. Identifiers: MedGen CN230736.

Submissions (2):

Ambry Genetics
Classification: Pathogenic for Cardiovascular phenotype. Last evaluated: 2026-07-08. Review status: criteria provided, single submitter. Criteria: Ambry Variant Classification Scheme 2023. Collection method: clinical testing. Allele origin: germline.
Comment: The p.W21675* pathogenic mutation (also known as c.65024G>A), located in coding exon 166 of the TTN gene, results from a G to A substitution at nucleotide position 65024. This changes the amino acid from a tryptophan to a stop codon within coding exon 166. This exon is located in the A-band region of the N2-B isoform of the titin protein and is constitutively expressed in TTN transcripts (percent spliced in or PSI 100%). This variant was reported in individual(s) with features consistent with dilated cardiomyopathy (Xiao L et al. Front Cardiovasc Med, 2021 Apr;8:657689). Note, this variant is also referred to as p.W30740* in the literature. This variant is considered to be rare based on population cohorts in the Genome Aggregation Database (gnomAD). This variant is expected to result in loss of function by premature protein truncation or nonsense-mediated mRNA decay. While truncating variants in TTN are present in 1-3% of the general population, truncating variants in the A-band are the most common cause of dilated cardiomyopathy (Herman DS et al. N. Engl. J. Med., 2012 Feb;366:619-28; Roberts AM et al. Sci Transl Med, 2015 Jan;7:270ra6). TTN truncating variants encoded in constitutive exons (PSI >90%) have been found to be significantly associated with DCM regardless of their position in titin (Schafer S et al. Nat. Genet., 2017 01;49:46-53; Akhtar MM et al. Circ Heart Fail, 2020 Oct;13:e006832; Massier M et al. Clin Genet, 2025 Jan). Based on the supporting evidence, this variant is interpreted as a disease-causing mutation.

Labcorp Genetics (formerly Invitae), Labcorp
Classification: Likely pathogenic for Dilated cardiomyopathy 1G; Autosomal recessive limb-girdle muscular dystrophy type 2J. Last evaluated: 2024-03-27. Review status: criteria provided, single submitter. Criteria: Invitae Variant Classification Sherloc (09022015). Collection method: clinical testing. Allele origin: germline.
Comment: This sequence change creates a premature translational stop signal (p.Trp30740*) in the TTN gene. While this is not anticipated to result in nonsense mediated decay, it is expected to create a truncated TTN protein. This variant is not present in population databases (gnomAD no frequency). This variant has not been reported in the literature in individuals affected with TTN-related conditions. This variant is located in the A band of TTN (PMID: 25589632). Truncating variants in this region are significantly overrepresented in patients affected with dilated cardiomyopathy (PMID: 25589632). Truncating variants in this region have also been reported in individuals affected with autosomal recessive centronuclear myopathy (PMID: 23975875). In summary, the currently available evidence indicates that the variant is pathogenic, but additional data are needed to prove that conclusively. Therefore, this variant has been classified as Likely Pathogenic.

Literature cited by the submitters: PubMed 33996946 (cited by Ambry Genetics); PubMed 25589632 (cited by Labcorp Genetics (formerly Invitae), Labcorp); PubMed 23975875 (cited by Labcorp Genetics (formerly Invitae), Labcorp).